The following is an entry in ClinVar:

NM_004104.5(FASN):c.83G>T (p.Gly28Val)

Gene: FASN (fatty acid synthase; minus strand). Cytogenetic location: 17q25.3.
Variant type: single nucleotide variant.
Coding change: c.83G>T on transcript NM_004104.5 (MANE Select); coding-DNA position 83, G replaced by T.
Protein change: p.Gly28Val; replaces glycine 28 with valine.
Molecular consequence: missense variant.
Genome position (GRCh38, 1-based): chr17:82,096,363, C>A on the plus strand (G>T on the coding strand, the complement: FASN is on the minus strand). VCF-style: chr17-82096363-C-A. GRCh37 (hg19) VCF-style: chr17-80054239-C-A.
Other names: short protein forms G28V.
Identifiers: ClinVar variation 1718029 (VCV001718029.5), dbSNP rs2034303494, ClinGen allele CA401566948.

ClinVar aggregate classification (germline): Uncertain significance (1 of 4 stars; one submission).

Conditions:
Epileptic encephalopathy. Identifiers: MedGen C0543888, HP:0200134.

Submission:

Labcorp Genetics (formerly Invitae), Labcorp
Classification: Uncertain significance for Epileptic encephalopathy. Last evaluated: 2022-12-28. Review status: criteria provided, single submitter. Criteria: Invitae Variant Classification Sherloc (09022015). Collection method: clinical testing. Allele origin: germline.
Comment: In summary, the available evidence is currently insufficient to determine the role of this variant in disease. Therefore, it has been classified as a Variant of Uncertain Significance. Algorithms developed to predict the effect of missense changes on protein structure and function are either unavailable or do not agree on the potential impact of this missense change (SIFT: "Deleterious"; PolyPhen-2: "Benign"; Align-GVGD: "Class C0"). ClinVar contains an entry for this variant (Variation ID: 1718029). This variant has not been reported in the literature in individuals affected with FASN-related conditions. This variant is not present in population databases (gnomAD no frequency). This sequence change replaces glycine, which is neutral and non-polar, with valine, which is neutral and non-polar, at codon 28 of the FASN protein (p.Gly28Val).